The following is an entry in ClinVar:

ClinVar aggregate classification (germline): Uncertain significance (1 of 4 stars; one submission).

Conditions:
Hereditary cancer-predisposing syndrome. Also called: Neoplastic Syndromes, Hereditary; Tumor predisposition; Hereditary Cancer Syndrome; Hereditary neoplastic syndrome. Identifiers: Orphanet 140162, MedGen C0027672, MeSH D009386, MONDO:0015356.

Submission:

Color Diagnostics, LLC DBA Color Health
Classification: Uncertain significance for Hereditary cancer-predisposing syndrome. Last evaluated: 2024-03-06. Review status: criteria provided, single submitter. Criteria: ACMG Guidelines, 2015. Collection method: clinical testing. Allele origin: germline.
Comment: This missense variant replaces methionine with arginine at codon 2509 of the ATM protein. Computational prediction suggests that this variant may not impact protein structure and function (internally defined REVEL score threshold <= 0.5, PMID: 27666373). To our knowledge, functional studies have not been reported for this variant. This variant has not been reported in individuals affected with hereditary cancer in the literature. This variant has not been identified in the general population by the Genome Aggregation Database (gnomAD). The available evidence is insufficient to determine the role of this variant in disease conclusively. Therefore, this variant is classified as a Variant of Uncertain Significance.

NM_000051.4(ATM):c.7526T>G (p.Met2509Arg)

Genes: ATM (ATM serine/threonine kinase; plus strand), C11orf65 (chromosome 11 open reading frame 65; minus strand). Cytogenetic location: 11q22.3.
Variant type: single nucleotide variant.
Coding change: c.7526T>G on transcript NM_000051.4 (MANE Select); coding-DNA position 7526, T replaced by G.
Protein change: p.Met2509Arg; replaces methionine 2509 with arginine.
Molecular consequence: missense variant. On other transcripts: intron variant (2), non-coding transcript variant (1).
Genome position (GRCh38, 1-based): chr11:108,331,454, T>G. VCF-style: chr11-108331454-T-G. GRCh37 (hg19) VCF-style: chr11-108202181-T-G.
Other names: c.7526T>G, p.Met2509Arg (NM_001351834.2); c.641-22383A>C (NM_001330368.2); c.*38+3766A>C (NM_001351110.2); short protein forms M2509R.
Identifiers: ClinVar variation 1171129 (VCV001171129.4), dbSNP rs2136491479, ClinGen allele CA382560651.